The following is an entry in ClinVar:

ClinVar aggregate classification (germline): Uncertain significance (1 of 4 stars; one submission).

Conditions:
Hereditary cancer-predisposing syndrome. Also called: Neoplastic Syndromes, Hereditary; Hereditary Cancer Syndrome; Tumor predisposition; Hereditary neoplastic syndrome. Identifiers: Orphanet 140162, MedGen C0027672, MeSH D009386, MONDO:0015356.

Submission:

Ambry Genetics
Classification: Uncertain significance for Hereditary cancer-predisposing syndrome. Last evaluated: 2023-03-04. Review status: criteria provided, single submitter. Criteria: Ambry Variant Classification Scheme 2023. Collection method: clinical testing. Allele origin: germline.
Comment: The p.I96L variant (also known as c.286A>C), located in coding exon 2 of the TMEM127 gene, results from an A to C substitution at nucleotide position 286. The isoleucine at codon 96 is replaced by leucine, an amino acid with highly similar properties. This amino acid position is conserved. In addition, the in silico prediction for this alteration is inconclusive. Since supporting evidence is limited at this time, the clinical significance of this alteration remains unclear.

NM_017849.4(TMEM127):c.286A>C (p.Ile96Leu)

Gene: TMEM127 (transmembrane protein 127; minus strand). Cytogenetic location: 2q11.2.
Variant type: single nucleotide variant.
Coding change: c.286A>C on transcript NM_017849.4 (MANE Select); coding-DNA position 286, A replaced by C.
Protein change: p.Ile96Leu; replaces isoleucine 96 with leucine.
Molecular consequence: missense variant.
Genome position (GRCh38, 1-based): chr2:96,254,956, T>G on the plus strand (A>C on the coding strand, the complement: TMEM127 is on the minus strand). VCF-style: chr2-96254956-T-G. GRCh37 (hg19) VCF-style: chr2-96920694-T-G.
Other names: c.286A>C, p.Ile96Leu (NM_001193304.3); c.34A>C, p.Ile12Leu (NM_001407282.1, NM_001407283.1); short protein forms I12L, I96L.
Identifiers: ClinVar variation 2448389 (VCV002448389.2), dbSNP rs1684173772, ClinGen allele CA347653572.
Genomic context (GRCh38, chr2:96,254,956, plus strand): 5'-AGACATCCAGAAGGAAAGCGGAGAGACTACACAGGATGCCCAGGAAACAGAAGGCGGCGA[T>G]GACCCGCAGGAGCAGCACTGTCTGGGGATTCATGCAGAAATCTGTAGAGGGAGAACCAAA-3'
Protein context (NP_060319.1, residues 86-106): NPQTVLLLRV[Ile96Leu]AAFCFLGILC